The following is an entry in ClinVar:

ClinVar aggregate classification (germline): Uncertain significance (0 of 4 stars; one submission).

Conditions:
MAP1B-related disorder. Also called: MAP1B-related condition.

Allele frequency attached by ClinVar (database versions not stated): ExAC 0.00001; gnomAD exomes 0.00001; TOPMed 0.00002; gnomAD 0.00003.
gnomAD v4.1: 18 of 1,614,008 alleles (0.0011%); highest among the groups gnomAD compares: African/African-American, 0.004%; no homozygotes.

Submission:

PreventionGenetics, part of Exact Sciences
Classification: Uncertain significance for MAP1B-related condition. Last evaluated: 2024-02-06. Review status: no assertion criteria provided. Collection method: clinical testing. Allele origin: germline.
Comment: The MAP1B c.4916G>A variant is predicted to result in the amino acid substitution p.Arg1639Lys. To our knowledge, this variant has not been reported in the literature. This variant is reported in 0.0062% of alleles in individuals of African descent in gnomAD. At this time, the clinical significance of this variant is uncertain due to the absence of conclusive functional and genetic evidence.

NM_005909.5(MAP1B):c.4916G>A (p.Arg1639Lys)

Gene: MAP1B (microtubule associated protein 1B; plus strand). Cytogenetic location: 5q13.2.
Variant type: single nucleotide variant.
Coding change: c.4916G>A on transcript NM_005909.5 (MANE Select); coding-DNA position 4916, G replaced by A.
Protein change: p.Arg1639Lys; replaces arginine 1639 with lysine.
Molecular consequence: missense variant.
Genome position (GRCh38, 1-based): chr5:72,198,271, G>A. VCF-style: chr5-72198271-G-A. GRCh37 (hg19) VCF-style: chr5-71494098-G-A.
Other names: c.4538G>A, p.Arg1513Lys (NM_001324255.2); short protein forms R1513K, R1639K.
Identifiers: ClinVar variation 3030651 (VCV003030651.2), dbSNP rs768831568, ClinGen allele CA3299224.